The following is an entry in ClinVar:

ClinVar aggregate classification (germline): Likely benign. Review status: criteria provided, multiple submitters, no conflicts (2 of 4 stars). 2 submissions from 2 submitters: Likely benign (2). Last evaluated 2025-01-21.

Conditions:
Hereditary cancer-predisposing syndrome. Also called: Hereditary neoplastic syndrome; Hereditary Cancer Syndrome; Neoplastic Syndromes, Hereditary; Tumor predisposition. Identifiers: Orphanet 140162, MedGen C0027672, MeSH D009386, MONDO:0015356.
Familial cancer of breast. Also called: hereditary breast carcinoma; BREAST CANCER, FAMILIAL; Hereditary breast cancer. Identifiers: Orphanet 227535, MedGen C0346153, MONDO:0016419, OMIM 114480. Disease mechanism: loss of function.

Allele frequency attached by ClinVar (database versions not stated): ExAC 0.00001.

Submissions (2):

Myriad Genetics, Inc.
Classification: Likely benign for Familial cancer of breast. Last evaluated: 2025-01-21. Review status: criteria provided, single submitter. Criteria: Myriad Autosomal Dominant, Autosomal Recessive and X-Linked Classification Criteria (2023). Collection method: clinical testing. Allele origin: unknown.
Comment: This variant is considered likely benign. This variant is intronic and is not expected to impact mRNA splicing.

Color Diagnostics, LLC DBA Color Health
Classification: Likely benign for Hereditary cancer-predisposing syndrome. Last evaluated: 2024-01-04. Review status: criteria provided, single submitter. Criteria: ACMG Guidelines, 2015. Collection method: clinical testing. Allele origin: germline.

NM_024675.4(PALB2):c.3113+6C>T

Gene: PALB2 (partner and localizer of BRCA2; minus strand). Cytogenetic location: 16p12.2.
Variant type: single nucleotide variant.
Coding change: c.3113+6C>T on transcript NM_024675.4 (MANE Select); 6 bases into the intron after coding-DNA position 3113, C replaced by T.
Molecular consequence: intron variant.
Genome position (GRCh38, 1-based): chr16:23,621,356, G>A on the plus strand (C>T on the coding strand, the complement: PALB2 is on the minus strand). VCF-style: chr16-23621356-G-A. GRCh37 (hg19) VCF-style: chr16-23632677-G-A.
Other names: c.2228+6C>T (NM_001407308.1, NM_001407306.1, NM_001407309.1 and 4 more transcripts); c.647+6C>T (NM_001407314.1); c.1325+6C>T (NM_001407313.1, NM_001407312.1); c.3053+6C>T (NM_001407296.1); c.3041+6C>T (NM_001407297.1); c.2951+6C>T (NM_001407302.1, NM_001407298.1); c.2834+2653C>T (NM_001407300.1); c.3113+6C>T (NM_001407299.1, NM_001407301.1); and 1 more.
Identifiers: ClinVar variation 2773994 (VCV002773994.3), dbSNP rs764320763, ClinGen allele CA7963435.